The following is an entry in ClinVar:

NM_000128.4(F11):c.1556G>A (p.Trp519Ter)

Genes: F11 (coagulation factor XI; plus strand), F11-AS1 (F11 antisense RNA 1; minus strand). Cytogenetic location: 4q35.2.
Variant type: single nucleotide variant.
Coding change: c.1556G>A on transcript NM_000128.4 (MANE Select); coding-DNA position 1556, G replaced by A.
Protein change: p.Trp519Ter; replaces tryptophan 519 with a stop codon.
Molecular consequence: nonsense.
Genome position (GRCh38, 1-based): chr4:186,286,490, G>A. VCF-style: chr4-186286490-G-A. GRCh37 (hg19) VCF-style: chr4-187207644-G-A.
Other names: p.Trp519*; p.Trp519Ter; short protein forms W519*.
Identifiers: ClinVar variation 188887 (VCV000188887.23), dbSNP rs201007090, ClinGen allele CA199086.

ClinVar aggregate classification (germline): Pathogenic. Review status: criteria provided, multiple submitters, no conflicts (2 of 4 stars). 11 submissions from 11 submitters: Pathogenic (10). 1 of the submissions does not count toward it. Last evaluated 2026-07-12.

Conditions:
Plasma factor XI deficiency.
F11-related disorder. Also called: F11-related condition.
Hereditary factor XI deficiency disease. Also called: PLASMA THROMBOPLASTIN ANTECEDENT DEFICIENCY; PTA DEFICIENCY; ROSENTHAL SYNDROME; Congenital factor XI deficiency. Identifiers: Orphanet 329, MedGen C0015523, MeSH D005173, MONDO:0012897, OMIM 612416.
Abnormal bleeding. Also called: Bleeding diathesis. Identifiers: MedGen C1458140, HP:0001892.

Allele frequency attached by ClinVar (database versions not stated): gnomAD 0.00001; gnomAD exomes 0.00001 and 0.00003; ExAC 0.00004; TOPMed 0.00006.
gnomAD v4.1: 21 of 1,613,778 alleles (0.0013%); highest among the groups gnomAD compares: East Asian, 0.029%; no homozygotes.

Submissions (11):

Department of Pediatrics, Duzce University
Classification: Pathogenic for Hereditary factor XI deficiency disease. Last evaluated: 2026-07-12. Review status: criteria provided, single submitter. Criteria: ACMG Guidelines, 2015. Collection method: research. Allele origin: germline. Inheritance: Autosomal recessive inheritance. Affected: no. Observed: 1 variant allele, 1 heterozygote.
Comment: Recurrent nonsense variant, reported pathogenic in FXI deficiency.

PreventionGenetics, part of Exact Sciences
Classification: Pathogenic for F11-related condition. Last evaluated: 2025-09-30. Review status: criteria provided, single submitter. Criteria: ACMG Guidelines, 2015. Collection method: clinical testing. Allele origin: germline.
Comment: The F11 c.1556G>A variant is predicted to result in premature protein termination (p.Trp519*). This variant, alternatively referred to as p.Trp501* using the legacy nomenclature, has been reported in individuals with Factor XI deficiency (Berber et al. 2010. PubMed ID: 20015217; Rimoldi et al. 2018. PubMed ID: 29178608). This variant is reported in 0.033% of alleles in individuals of East Asian descent in gnomAD. Nonsense variants in F11 are expected to be pathogenic. This variant is interpreted as pathogenic.

Mayo Clinic Laboratories, Mayo Clinic
Classification: Pathogenic. Last evaluated: 2025-08-08. Review status: criteria provided, single submitter. Criteria: ACMG Guidelines, 2015. Collection method: clinical testing. Allele origin: germline. Observed: 2 variant alleles.
Comment: PP5, PM1_supporting, PM2_supporting, PM3, PS4_moderate, PVS1

Natera, Inc.
Classification: Pathogenic for Plasma factor XI deficiency. Last evaluated: 2025-06-03. Review status: criteria provided, single submitter. Criteria: Natera Variant Classification Schema (03/2026). Collection method: clinical testing. Allele origin: germline.
Comment: The c.1556G>A variant in F11 is a nonsense variant predicted to introduce a stop codon at amino acid 519. This variant is expected to result in nonsense mediated decay, truncation, or a dysfunctional protein product. This variant is rare in the general population with a frequency below the threshold expected for the associated phenotype(s). This variant has been observed in one or more individuals affected with the associated recessive disease, as either homozygous or compound heterozygous with a second variant (PMID: 32464451). Given the available evidence, this variant is classified as Pathogenic.

Labcorp Genetics (formerly Invitae), Labcorp
Classification: Pathogenic. Last evaluated: 2024-02-04. Review status: criteria provided, single submitter. Criteria: Invitae Variant Classification Sherloc (09022015). Collection method: clinical testing. Allele origin: germline.
Comment: This sequence change creates a premature translational stop signal (p.Trp519*) in the F11 gene. It is expected to result in an absent or disrupted protein product. Loss-of-function variants in F11 are known to be pathogenic (PMID: 23929304). This variant is present in population databases (rs201007090, gnomAD 0.03%). This premature translational stop signal has been observed in individual(s) with factor XI deficiency (PMID: 11122101, 20015217). This variant is also known as p.501*. ClinVar contains an entry for this variant (Variation ID: 188887). For these reasons, this variant has been classified as Pathogenic.

NIHR Bioresource Rare Diseases, University of Cambridge
Classification: Pathogenic for Abnormal bleeding. Last evaluated: 2019-02-01. Review status: criteria provided, single submitter. Criteria: ACMG Guidelines, 2015. Collection method: research. Allele origin: unknown. Affected: yes. Observed: 1 heterozygote. Study: ThromboGenomics.

Fulgent Genetics
Classification: Pathogenic for Hereditary factor XI deficiency disease. Last evaluated: 2018-10-31. Review status: criteria provided, single submitter. Criteria: ACMG Guidelines, 2015. Collection method: clinical testing. Allele origin: unknown.

ISTH-SSC Genomics in Thrombosis and Hemostasis, KU Leuven, Center for Molecular and Vascular Biology
Classification: Pathogenic for Hereditary factor XI deficiency disease. Review status: criteria provided, single submitter. Criteria: ACMG Guidelines, 2015. Collection method: clinical testing. Allele origin: germline. Affected: yes. Observed: 1 homozygote.
Comment: Submitted to the GoldVariant database by Kathleen Freson, Center for Molecular and Vascular Biology

Juno Genomics, Hangzhou Juno Genomics, Inc
Classification: Pathogenic for Hereditary factor XI deficiency disease. Review status: criteria provided, single submitter. Criteria: ACMG Guidelines, 2015. Collection method: clinical testing. Allele origin: germline.
Comment: Absent from controls (or at extremely low frequency if recessive) in Genome Aggregation Database.;Null variant in a gene where loss of function (LOF) is a known mechanism of disease.;The prevalence of the variant in affected individuals is significantly increased compared to the prevalence in controls.;For recessive disorders, detected in trans with a pathogenic variant.;Patient's phenotype or family history is highly specific for a disease with a single genetic etiology.

Kariminejad - Najmabadi Pathology & Genetics Center
Classification: Pathogenic for Hereditary factor XI deficiency disease. Review status: criteria provided, single submitter. Criteria: ACMG Guidelines, 2015. Collection method: clinical testing. Allele origin: germline. Affected: no.

Counsyl
Classification: Likely pathogenic for Hereditary factor XI deficiency disease. Last evaluated: 2014-07-16. Review status: no assertion criteria provided. Collection method: literature only. Allele origin: unknown. Inheritance: Autosomal recessive inheritance. Not counted in ClinVar's aggregate classification.

Literature cited by the submitters: PubMed 33751533 (cited by Department of Pediatrics, Duzce University); PubMed 20015217 (cited by 3 submitters); PubMed 21668437 (cited by Mayo Clinic Laboratories, Mayo Clinic and Counsyl); PubMed 25681615 (cited by Mayo Clinic Laboratories, Mayo Clinic); PubMed 27723456 (cited by Mayo Clinic Laboratories, Mayo Clinic); PubMed 29138690 (cited by Mayo Clinic Laboratories, Mayo Clinic); PubMed 32464451 (cited by Natera, Inc.); PubMed 23929304 (cited by Labcorp Genetics (formerly Invitae), Labcorp); PubMed 11122101 (cited by Labcorp Genetics (formerly Invitae), Labcorp and Counsyl); PubMed 31064749 (cited by NIHR Bioresource Rare Diseases, University of Cambridge); PubMed 24982842 (cited by Counsyl).